The following is an entry in ClinVar:

ClinVar aggregate classification (germline): Likely pathogenic (1 of 4 stars; one submission).

Conditions:
Fabry disease. Also called: ALPHA-GALACTOSIDASE A DEFICIENCY; ANDERSON-FABRY DISEASE; CERAMIDE TRIHEXOSIDASE DEFICIENCY; GLA DEFICIENCY; HEREDITARY DYSTOPIC LIPIDOSIS; Angiokeratoma corporis diffusum. Identifiers: Orphanet 324, MedGen C0002986, MONDO:0010526, OMIM 301500, HP:0001071. Disease mechanism: Fabry disease is due to inactivating mutations in the X-linked GLA gene resulting in deficiency of the enzyme Alpha Galactosidase-A., loss of function.

Submission:

Genomenon, Inc
Classification: Likely pathogenic for Fabry disease. Last evaluated: 2026-09-08. Review status: criteria provided, single submitter. Criteria: Genomenon Sequence Variant Interpretation Standards - Updated. Collection method: curation. Allele origin: germline. Affected: no.
Comment: GLA p.Ala257Asp (c.770C>A) is a missense variant that changes the amino acid at codon 257 from Alanine to Aspartic acid. To our knowledge, this variant has not been reported in patients affected with Fabry disease in the published literature. At least one functional study has demonstrated a substantial alteration in protein function relative to the wild-type (PMID:27657681). It is absent or not present at a significant frequency in gnomAD. In silico models predict that this variant is possibly or probably damaging. In conclusion, we classify GLA p.Ala257Asp (c.770C>A) as a likely pathogenic variant.

Literature cited by the submitters: PubMed 27657681.

NM_000169.3(GLA):c.770C>A (p.Ala257Asp)

Genes: GLA (galactosidase alpha; minus strand), RPL36A-HNRNPH2 (RPL36A-HNRNPH2 readthrough; plus strand). Cytogenetic location: Xq22.1.
Variant type: single nucleotide variant.
Coding change: c.770C>A on transcript NM_000169.3 (MANE Select); coding-DNA position 770, C replaced by A.
Protein change: p.Ala257Asp; replaces alanine 257 with aspartic acid.
Molecular consequence: missense variant. On other transcripts: non-coding transcript variant (3), intron variant (2).
Genome position (GRCh38, 1-based): chrX:101,398,816, G>T on the plus strand (C>A on the coding strand, the complement: GLA is on the minus strand). VCF-style: chrX-101398816-G-T. GRCh37 (hg19) VCF-style: chrX-100653804-G-T.
Other names: c.893C>A, p.Ala298Asp (NM_001406747.1); c.770C>A, p.Ala257Asp (NM_001406748.1); c.300+3359G>T (NM_001199973.2); c.177+6994G>T (NM_001199974.2); short protein forms A257D, A298D.
Identifiers: ClinVar variation 4087498 (VCV004087498.2).